The following is an entry in ClinVar:

NM_000128.4(F11):c.1707C>T (p.Asp569=)

Genes: F11 (coagulation factor XI; plus strand), F11-AS1 (F11 antisense RNA 1; minus strand). Cytogenetic location: 4q35.2.
Variant type: single nucleotide variant.
Coding change: c.1707C>T on transcript NM_000128.4 (MANE Select); coding-DNA position 1707, C replaced by T.
Protein change: p.Asp569=; no amino-acid change (aspartic acid 569 retained).
Molecular consequence: synonymous variant.
Genome position (GRCh38, 1-based): chr4:186,287,814, C>T. VCF-style: chr4-186287814-C-T. GRCh37 (hg19) VCF-style: chr4-187208968-C-T.
Other names: p.Asp569=.
Identifiers: ClinVar variation 348380 (VCV000348380.18), dbSNP rs5975, ClinGen allele CA3164075.
Genomic context (GRCh38, chr4:186,287,814, plus strand): 5'-CAGAGGACATAAAATAACCCATAAGATGATCTGTGCCGGCTACAGGGAAGGAGGGAAGGA[C>T]GCTTGCAAGGTAACAGAGTGTTCTTAGCCAATGGAATATATGCAAATTGGAATGCTTAAT-3'
Protein context (NP_000119.1, residues 559-579): ICAGYREGGK[Asp569=]ACKGDSGGPL

ClinVar aggregate classification (germline): Benign. Review status: criteria provided, multiple submitters, no conflicts (2 of 4 stars). 6 submissions from 6 submitters: Benign (5). 1 of the submissions does not count toward it. Last evaluated 2026-02-03.

Conditions:
Plasma factor XI deficiency.
Hereditary factor XI deficiency disease. Also called: PLASMA THROMBOPLASTIN ANTECEDENT DEFICIENCY; PTA DEFICIENCY; ROSENTHAL SYNDROME; Congenital factor XI deficiency. Identifiers: Orphanet 329, MedGen C0015523, MeSH D005173, MONDO:0012897, OMIM 612416.

Allele frequency attached by ClinVar (database versions not stated): gnomAD exomes 0.01307; ExAC 0.01310; ESP Exome Variant Server 0.02860; gnomAD 0.02893; TOPMed 0.03772; 1000 Genomes Project 0.03774; 1000 Genomes Project 30x 0.03935.
gnomAD v4.1: 11,127 of 1,612,346 alleles (0.69%); highest among the groups gnomAD compares: African/African-American, 9.5%; 428 homozygotes.

Submissions (6):

Labcorp Genetics (formerly Invitae), Labcorp
Classification: Benign. Last evaluated: 2026-02-03. Review status: criteria provided, single submitter. Criteria: Invitae Variant Classification Sherloc (09022015). Collection method: clinical testing. Allele origin: germline.

Mayo Clinic Laboratories, Mayo Clinic
Classification: Benign. Last evaluated: 2022-05-10. Review status: criteria provided, single submitter. Criteria: ACMG Guidelines, 2015. Collection method: clinical testing. Allele origin: germline. Observed: 5 variant alleles.
Comment: BS1, BS2, BP4, BP7

GeneDx
Classification: Benign. Last evaluated: 2018-11-11. Review status: criteria provided, single submitter. Criteria: GeneDx Variant Classification Process June 2021. Collection method: clinical testing. Allele origin: germline. Affected: yes.

Illumina Laboratory Services, Illumina
Classification: Benign for Hereditary factor XI deficiency disease. Last evaluated: 2018-01-12. Review status: criteria provided, single submitter. Criteria: ICSL Variant Classification Criteria 13 December 2019. Collection method: clinical testing. Allele origin: germline.
Comment: This variant was observed in the ICSL laboratory as part of a predisposition screen in an ostensibly healthy population. It had not been previously curated by ICSL or reported in the Human Gene Mutation Database (HGMD: prior to June 1st, 2018), and was therefore a candidate for classification through an automated scoring system. Utilizing variant allele frequency, disease prevalence and penetrance estimates, and inheritance mode, an automated score was calculated to assess if this variant is too frequent to cause the disease. Based on the score and internal cut-off values, a variant classified as benign is not then subjected to further curation. The score for this variant resulted in a classification of benign for this disease.

Breakthrough Genomics
Classification: Benign. Review status: criteria provided, single submitter. Criteria: ACMG Guidelines, 2015. Collection method: not provided. Allele origin: germline. Inheritance: Unknown mechanism. Affected: yes.

Natera, Inc.
Classification: Benign for Plasma factor XI deficiency. Last evaluated: 2019-11-27. Review status: no assertion criteria provided. Collection method: clinical testing. Allele origin: germline. Not counted in ClinVar's aggregate classification.